The following is an entry in ClinVar:

NM_024675.4(PALB2):c.796C>A (p.Pro266Thr)

Gene: PALB2 (partner and localizer of BRCA2; minus strand). Cytogenetic location: 16p12.2.
Variant type: single nucleotide variant.
Coding change: c.796C>A on transcript NM_024675.4 (MANE Select); coding-DNA position 796, C replaced by A.
Protein change: p.Pro266Thr; replaces proline 266 with threonine.
Molecular consequence: missense variant. On other transcripts: 5 prime UTR variant (8), intron variant (3).
Genome position (GRCh38, 1-based): chr16:23,635,750, G>T on the plus strand (C>A on the coding strand, the complement: PALB2 is on the minus strand). VCF-style: chr16-23635750-G-T. GRCh37 (hg19) VCF-style: chr16-23647071-G-T.
Other names: c.736C>A, p.Pro246Thr (NM_001407296.1); c.796C>A, p.Pro266Thr (NM_001407297.1, NM_001407298.1, NM_001407299.1 and 3 more transcripts); c.-90C>A (NM_001407304.1, NM_001407305.1, NM_001407306.1 and 5 more transcripts); c.48+5360C>A (NM_001407314.1); c.-104-5281C>A (NM_001407313.1, NM_001407312.1); short protein forms P266T, P246T.
Identifiers: ClinVar variation 2780987 (VCV002780987.3), dbSNP rs1967020348, ClinGen allele CA395136027.
Genomic context (GRCh38, chr16:23,635,750, plus strand): 5'-GTGAAGTAAATCTAATGTTTTTTAGGTCGTGAGTAGTAAGTTCACTGCTACCTTTAGGAG[G>T]AATGTGTTCAAGGTGCTGACTACTACCGCTATCTGATAGAGTCTGTAAAGGAACTGTAGT-3'
Protein context (NP_078951.2, residues 256-276): SGSSQHLEHI[Pro266Thr]PKGSSELTTH

ClinVar aggregate classification (germline): Uncertain significance (1 of 4 stars; one submission).

Conditions:
Familial cancer of breast. Also called: Hereditary breast cancer; BREAST CANCER, FAMILIAL; hereditary breast carcinoma. Identifiers: Orphanet 227535, MedGen C0346153, MONDO:0016419, OMIM 114480. Disease mechanism: loss of function.

Submission:

Labcorp Genetics (formerly Invitae), Labcorp
Classification: Uncertain significance for Familial cancer of breast. Last evaluated: 2023-05-01. Review status: criteria provided, single submitter. Criteria: Invitae Variant Classification Sherloc (09022015). Collection method: clinical testing. Allele origin: germline.
Comment: This variant is not present in population databases (gnomAD no frequency). This variant has not been reported in the literature in individuals affected with PALB2-related conditions. An algorithm developed to predict the effect of missense changes on protein structure and function (PolyPhen-2) suggests that this variant is likely to be disruptive. In summary, the available evidence is currently insufficient to determine the role of this variant in disease. Therefore, it has been classified as a Variant of Uncertain Significance. This sequence change replaces proline, which is neutral and non-polar, with threonine, which is neutral and polar, at codon 266 of the PALB2 protein (p.Pro266Thr).